The following is an entry in ClinVar:

ClinVar aggregate classification (germline): Uncertain significance (1 of 4 stars; one submission).

Submission:

Labcorp Genetics (formerly Invitae), Labcorp
Classification: Uncertain significance. Last evaluated: 2023-08-31. Review status: criteria provided, single submitter. Criteria: Invitae Variant Classification Sherloc (09022015). Collection method: clinical testing. Allele origin: germline.
Comment: This variant is not present in population databases (gnomAD no frequency). This sequence change replaces proline, which is neutral and non-polar, with histidine, which is basic and polar, at codon 241 of the TAB2 protein (p.Pro241His). This variant has not been reported in the literature in individuals affected with TAB2-related conditions. In summary, the available evidence is currently insufficient to determine the role of this variant in disease. Therefore, it has been classified as a Variant of Uncertain Significance. Advanced modeling of protein sequence and biophysical properties (such as structural, functional, and spatial information, amino acid conservation, physicochemical variation, residue mobility, and thermodynamic stability) performed at Invitae indicates that this missense variant is not expected to disrupt TAB2 protein function.

NM_001292034.3(TAB2):c.722C>A (p.Pro241His)

Genes: TAB2 (TGF-beta activated kinase 1 (MAP3K7) binding protein 2; plus strand), LOC126859827 (BRD4-independent group 4 enhancer GRCh37_chr6:149699707-149700906; plus strand). Cytogenetic location: 6q25.1.
Variant type: single nucleotide variant.
Coding change: c.722C>A on transcript NM_001292034.3 (MANE Select); coding-DNA position 722, C replaced by A.
Protein change: p.Pro241His; replaces proline 241 with histidine.
Molecular consequence: missense variant.
Genome position (GRCh38, 1-based): chr6:149,378,637, C>A. VCF-style: chr6-149378637-C-A. GRCh37 (hg19) VCF-style: chr6-149699773-C-A.
Other names: c.626C>A, p.Pro209His (NM_001292035.3); c.722C>A, p.Pro241His (NM_001369506.1, NM_015093.6); short protein forms P241H, P209H.
Identifiers: ClinVar variation 3009495 (VCV003009495.3), dbSNP rs2483388881, ClinGen allele CA365996516.